The following is an entry in ClinVar:

ClinVar aggregate classification (germline): Likely benign. Review status: criteria provided, multiple submitters, no conflicts (2 of 4 stars). 3 submissions from 3 submitters: Likely benign (2). 1 of the submissions does not count toward it. Last evaluated 2022-12-01.

Conditions:
KIF5C-related disorder. Also called: KIF5C-related condition.

Allele frequency attached by ClinVar (database versions not stated): gnomAD 0.00001 and 0.00004; TOPMed 0.00003; 1000 Genomes Project 30x 0.00016; 1000 Genomes Project 0.00020; ExAC 0.00046.
gnomAD v4.1: 136 of 1,593,628 alleles (0.0085%); highest among the groups gnomAD compares: South Asian, 0.14%; 2 homozygotes.

Submissions (3):

CeGaT Center for Human Genetics Tuebingen
Classification: Likely benign. Last evaluated: 2022-12-01. Review status: criteria provided, single submitter. Criteria: CeGaT Center For Human Genetics Tuebingen Variant Classification Criteria Version 2. Collection method: clinical testing. Allele origin: germline. Affected: yes. Observed: 1 variant allele.
Comment: KIF5C: BS1

GeneDx
Classification: Likely benign. Last evaluated: 2017-08-14. Review status: criteria provided, single submitter. Criteria: GeneDx Variant Classification (06012015). Collection method: clinical testing. Allele origin: germline. Affected: yes.
Comment: This variant is considered likely benign or benign based on one or more of the following criteria: it is a conservative change, it occurs at a poorly conserved position in the protein, it is predicted to be benign by multiple in silico algorithms, and/or has population frequency not consistent with disease.

PreventionGenetics, part of Exact Sciences
Classification: Likely benign for KIF5C-related condition. Last evaluated: 2019-04-05. Review status: no assertion criteria provided. Collection method: clinical testing. Allele origin: germline. Not counted in ClinVar's aggregate classification.
Comment: This variant is classified as likely benign based on ACMG/AMP sequence variant interpretation guidelines (Richards et al. 2015 PMID: 25741868, with internal and published modifications).

NM_004522.3(KIF5C):c.2728G>T (p.Ala910Ser)

Gene: KIF5C (kinesin family member 5C; plus strand). Cytogenetic location: 2q23.2.
Variant type: single nucleotide variant.
Coding change: c.2728G>T on transcript NM_004522.3 (MANE Select); coding-DNA position 2728, G replaced by T.
Protein change: p.Ala910Ser; replaces alanine 910 with serine.
Molecular consequence: missense variant. On other transcripts: non-coding transcript variant (1).
Genome position (GRCh38, 1-based): chr2:149,010,312, G>T. VCF-style: chr2-149010312-G-T. GRCh37 (hg19) VCF-style: chr2-149866826-G-T.
Other names: short protein forms A910S.
Identifiers: ClinVar variation 511237 (VCV000511237.26), dbSNP rs567802806, ClinGen allele CA1901757.
Genomic context (GRCh38, chr2:149,010,312, plus strand): 5'-GCCATGCGGGACCGTAAGCGCTACCAGCAGGAGGTGGATCGTATCAAGGAGGCCGTGCGG[G>T]CCAAGAACATGGCCAGAAGGGCCCATTCAGCCCAGATCGGTACGTGCGTGCACAGTGGCG-3'
Protein context (NP_004513.1, residues 900-920): EVDRIKEAVR[Ala910Ser]KNMARRAHSA